The following is an entry in ClinVar:

NM_001127222.2(CACNA1A):c.1427G>A (p.Arg476His)

Gene: CACNA1A (calcium voltage-gated channel subunit alpha1 A; minus strand). Cytogenetic location: 19p13.13.
Variant type: single nucleotide variant.
Coding change: c.1427G>A on transcript NM_001127222.2 (MANE Select); coding-DNA position 1427, G replaced by A.
Protein change: p.Arg476His; replaces arginine 476 with histidine.
Molecular consequence: missense variant.
Genome position (GRCh38, 1-based): chr19:13,317,240, C>T on the plus strand (G>A on the coding strand, the complement: CACNA1A is on the minus strand). VCF-style: chr19-13317240-C-T. GRCh37 (hg19) VCF-style: chr19-13428054-C-T.
Other names: c.1430G>A, p.Arg477His (NM_000068.4, NM_001127221.2, NM_001174080.2 and 1 more transcripts); short protein forms R476H, R477H.
Identifiers: ClinVar variation 845317 (VCV000845317.12), dbSNP rs755107633, ClinGen allele CA9240814.

ClinVar aggregate classification (germline): Conflicting classifications of pathogenicity. Review status: criteria provided, conflicting classifications (1 of 4 stars). 3 submissions from 3 submitters: Uncertain significance (2); Likely benign (1). Last evaluated 2026-02-02.

Conditions:
Episodic ataxia type 2 (EA2). Also called: ACETAZOLAMIDE-RESPONSIVE HEREDITARY PAROXYSMAL CEREBELLAR ATAXIA; ATAXIA, EPISODIC, WITH NYSTAGMUS; ATAXIA, FAMILIAL PAROXYSMAL; CEREBELLAR ATAXIA, PAROXYSMAL, ACETAZOLAMIDE-RESPONSIVE; CEREBELLOPATHY, HEREDITARY PAROXYSMAL; EPISODIC ATAXIA, NYSTAGMUS-ASSOCIATED. Identifiers: Orphanet 97, MedGen C1720416, MONDO:0007163, OMIM 108500.
Developmental and epileptic encephalopathy, 42 (DEE42A). Also called: DEVELOPMENTAL AND EPILEPTIC ENCEPHALOPATHY 42A; EPILEPTIC ENCEPHALOPATHY, EARLY INFANTILE, 42A; Epileptic encephalopathy, early infantile, 42. Identifiers: MedGen C4310716, MONDO:0014917, OMIM 617106.

Allele frequency attached by ClinVar (database versions not stated): gnomAD 0.00001; gnomAD exomes 0.00002; TOPMed 0.00002; ExAC 0.00003.
gnomAD v4.1: 36 of 1,613,480 alleles (0.0022%); highest among the groups gnomAD compares: Admixed American, 0.0083%; no homozygotes.

Submissions (3):

Labcorp Genetics (formerly Invitae), Labcorp
Classification: Uncertain significance for Developmental and epileptic encephalopathy, 42; Episodic ataxia type 2. Last evaluated: 2026-02-02. Review status: criteria provided, single submitter. Criteria: Invitae Variant Classification Sherloc (09022015). Collection method: clinical testing. Allele origin: germline.
Comment: This sequence change replaces arginine, which is basic and polar, with histidine, which is basic and polar, at codon 477 of the CACNA1A protein (p.Arg477His). This variant is present in population databases (rs755107633, gnomAD 0.01%). This missense change has been observed in individual(s) with idiopathic epilepsy (PMID: 21703448). ClinVar contains an entry for this variant (Variation ID: 845317). Invitae Evidence Modeling of protein sequence and biophysical properties (such as structural, functional, and spatial information, amino acid conservation, physicochemical variation, residue mobility, and thermodynamic stability) indicates that this missense variant is expected to disrupt CACNA1A protein function with a positive predictive value of 95%. In summary, the available evidence is currently insufficient to determine the role of this variant in disease. Therefore, it has been classified as a Variant of Uncertain Significance.

Athena Diagnostics
Classification: Uncertain significance. Last evaluated: 2022-03-31. Review status: criteria provided, single submitter. Criteria: Athena Diagnostics Criteria. Collection method: clinical testing. Allele origin: unknown.

GeneDx
Classification: Likely benign. Last evaluated: 2019-05-17. Review status: criteria provided, single submitter. Criteria: GeneDx Variant Classification Process June 2021. Collection method: clinical testing. Allele origin: germline. Affected: yes.
Comment: Reported as a novel variant in a cohort of epilepsy patients; additional information was not provided (Klassen et al., 2011); In silico analysis, which includes protein predictors and evolutionary conservation, supports a deleterious effect; This variant is associated with the following publications: (PMID: 28488083, 21703448)

Literature cited by the submitters: PubMed 21703448 (cited by Labcorp Genetics (formerly Invitae), Labcorp and Athena Diagnostics).